The following is an entry in ClinVar:

ClinVar aggregate classification (germline): Uncertain significance (1 of 4 stars; one submission).

Conditions:
Dilated cardiomyopathy 1DD (CMD1DD). Identifiers: Orphanet 154, MedGen C2750995, MONDO:0013168, OMIM 613172.

Submission:

Labcorp Genetics (formerly Invitae), Labcorp
Classification: Uncertain significance for Dilated cardiomyopathy 1DD. Last evaluated: 2019-06-14. Review status: criteria provided, single submitter. Criteria: Invitae Variant Classification Sherloc (09022015). Collection method: clinical testing. Allele origin: germline.
Comment: This sequence change replaces glycine with glutamic acid at codon 271 of the RBM20 protein (p.Gly271Glu). The glycine residue is weakly conserved and there is a moderate physicochemical difference between glycine and glutamic acid. This variant is not present in population databases (ExAC no frequency). This variant has not been reported in the literature in individuals with RBM20-related conditions. Algorithms developed to predict the effect of missense changes on protein structure and function are either unavailable or do not agree on the potential impact of this missense change (SIFT: "Not Available"; PolyPhen-2: "Possibly Damaging"; Align-GVGD: "Class C0"). In summary, the available evidence is currently insufficient to determine the role of this variant in disease. Therefore, it has been classified as a Variant of Uncertain Significance.

NM_001134363.3(RBM20):c.812G>A (p.Gly271Glu)

Gene: RBM20 (RNA binding motif protein 20; plus strand). Cytogenetic location: 10q25.2.
Variant type: single nucleotide variant.
Coding change: c.812G>A on transcript NM_001134363.3 (MANE Select); coding-DNA position 812, G replaced by A.
Protein change: p.Gly271Glu; replaces glycine 271 with glutamic acid.
Molecular consequence: missense variant.
Genome position (GRCh38, 1-based): chr10:110,781,421, G>A. VCF-style: chr10-110781421-G-A. GRCh37 (hg19) VCF-style: chr10-112541179-G-A.
Other names: short protein forms G271E.
Identifiers: ClinVar variation 942033 (VCV000942033.9), dbSNP rs1055998681, ClinGen allele CA213234882.